The following is an entry in ClinVar:

ClinVar aggregate classification (germline): Uncertain significance (1 of 4 stars; one submission).

Conditions:
Propionic acidemia (PROP). Also called: GLYCINEMIA, KETOTIC; HYPERGLYCINEMIA WITH KETOACIDOSIS AND LEUKOPENIA; KETOTIC HYPERGLYCINEMIA. Identifiers: Orphanet 35, MedGen C0268579, MONDO:0011628, OMIM 606054, HP:0003571.

Allele frequency attached by ClinVar (database versions not stated): gnomAD 0.00001; gnomAD exomes 0.00001 and 0.00002; TOPMed 0.00001; ExAC 0.00002.
gnomAD v4.1: 14 of 1,611,642 alleles (0.00087%); highest among the groups gnomAD compares: African/African-American, 0.0053%; no homozygotes.

Submission:

Labcorp Genetics (formerly Invitae), Labcorp
Classification: Uncertain significance for Propionic acidemia. Last evaluated: 2021-08-31. Review status: criteria provided, single submitter. Criteria: Invitae Variant Classification Sherloc (09022015). Collection method: clinical testing. Allele origin: germline.
Comment: This sequence change replaces alanine with serine at codon 324 of the PCCA protein (p.Ala324Ser). The alanine residue is highly conserved and there is a moderate physicochemical difference between alanine and serine. This variant is present in population databases (rs749617899, ExAC 0.01%). This variant has not been reported in the literature in individuals affected with PCCA-related conditions. Advanced modeling of protein sequence and biophysical properties (such as structural, functional, and spatial information, amino acid conservation, physicochemical variation, residue mobility, and thermodynamic stability) performed at Invitae indicates that this missense variant is expected to disrupt PCCA protein function. In summary, the available evidence is currently insufficient to determine the role of this variant in disease. Therefore, it has been classified as a Variant of Uncertain Significance.

NM_000282.4(PCCA):c.970G>T (p.Ala324Ser)

Gene: PCCA (propionyl-CoA carboxylase subunit alpha; plus strand). Cytogenetic location: 13q32.3.
Variant type: single nucleotide variant.
Coding change: c.970G>T on transcript NM_000282.4 (MANE Select); coding-DNA position 970, G replaced by T.
Protein change: p.Ala324Ser; replaces alanine 324 with serine.
Molecular consequence: missense variant. On other transcripts: non-coding transcript variant (5).
Genome position (GRCh38, 1-based): chr13:100,273,251, G>T. VCF-style: chr13-100273251-G-T. GRCh37 (hg19) VCF-style: chr13-100925505-G-T.
Other names: c.892G>T, p.Ala298Ser (NM_001127692.3, NM_001352607.2, NM_001352608.2); c.970G>T, p.Ala324Ser (NM_001178004.2, NM_001352605.2, NM_001352606.2 and 1 more transcripts); c.25G>T, p.Ala9Ser (NM_001352610.2, NM_001352611.2, NM_001352612.2); short protein forms A324S, A298S, A9S.
Identifiers: ClinVar variation 1509658 (VCV001509658.5), dbSNP rs749617899, ClinGen allele CA7033468.